The following is an entry in ClinVar:

ClinVar aggregate classification (germline): Likely benign. Review status: criteria provided, multiple submitters, no conflicts (2 of 4 stars). 3 submissions from 3 submitters: Likely benign (2). 1 of the submissions does not count toward it. Last evaluated 2026-03-01.

Conditions:
PLOD3-related disorder. Also called: PLOD3-related condition.

Allele frequency attached by ClinVar (database versions not stated): gnomAD 0.00001; gnomAD exomes 0.00001; TOPMed 0.00001; ExAC 0.00003.
gnomAD v4.1: 18 of 1,611,968 alleles (0.0011%); highest among the groups gnomAD compares: African/African-American, 0.0013%; no homozygotes.

Submissions (3):

CeGaT Center for Human Genetics Tuebingen
Classification: Likely benign. Last evaluated: 2026-03-01. Review status: criteria provided, single submitter. Criteria: CeGaT Center For Human Genetics Tuebingen Variant Classification Criteria Version 2. Collection method: clinical testing. Allele origin: germline. Affected: yes. Observed: 1 variant allele.
Comment: PLOD3: BP4, BP7

Labcorp Genetics (formerly Invitae), Labcorp
Classification: Likely benign. Last evaluated: 2025-09-12. Review status: criteria provided, single submitter. Criteria: Invitae Variant Classification Sherloc (09022015). Collection method: clinical testing. Allele origin: germline.

PreventionGenetics, part of Exact Sciences
Classification: Likely benign for PLOD3-related condition. Last evaluated: 2019-08-22. Review status: no assertion criteria provided. Collection method: clinical testing. Allele origin: germline. Not counted in ClinVar's aggregate classification.
Comment: This variant is classified as likely benign based on ACMG/AMP sequence variant interpretation guidelines (Richards et al. 2015 PMID: 25741868, with internal and published modifications).

NM_001084.5(PLOD3):c.1176C>T (p.Asp392=)

Gene: PLOD3 (procollagen-lysine,2-oxoglutarate 5-dioxygenase 3; minus strand). Cytogenetic location: 7q22.1.
Variant type: single nucleotide variant.
Coding change: c.1176C>T on transcript NM_001084.5 (MANE Select); coding-DNA position 1176, C replaced by T.
Protein change: p.Asp392=; no amino-acid change (aspartic acid 392 retained).
Molecular consequence: synonymous variant.
Genome position (GRCh38, 1-based): chr7:101,211,902, G>A on the plus strand (C>T on the coding strand, the complement: PLOD3 is on the minus strand). VCF-style: chr7-101211902-G-A. GRCh37 (hg19) VCF-style: chr7-100855183-G-A.
Identifiers: ClinVar variation 756066 (VCV000756066.13), dbSNP rs368065819, ClinGen allele CA4407810.